The following is an entry in ClinVar:

ClinVar aggregate classification (germline): Uncertain significance (1 of 4 stars; one submission).

gnomAD v4.1: 10 of 1,209,897 alleles (0.00083%); highest among the groups gnomAD compares: South Asian, 0.0018%; no homozygotes.

Submission:

Labcorp Genetics (formerly Invitae), Labcorp
Classification: Uncertain significance. Last evaluated: 2024-03-17. Review status: criteria provided, single submitter. Criteria: Invitae Variant Classification Sherloc (09022015). Collection method: clinical testing. Allele origin: germline.
Comment: This sequence change replaces alanine, which is neutral and non-polar, with threonine, which is neutral and polar, at codon 218 of the CLCN5 protein (p.Ala218Thr). This variant is not present in population databases (gnomAD no frequency). This variant has not been reported in the literature in individuals affected with CLCN5-related conditions. An algorithm developed to predict the effect of missense changes on protein structure and function (PolyPhen-2) suggests that this variant is likely to be disruptive. In summary, the available evidence is currently insufficient to determine the role of this variant in disease. Therefore, it has been classified as a Variant of Uncertain Significance.

NM_001127898.4(CLCN5):c.862G>A (p.Ala288Thr)

Gene: CLCN5 (chloride voltage-gated channel 5; plus strand). Cytogenetic location: Xp11.23.
Variant type: single nucleotide variant.
Coding change: c.862G>A on transcript NM_001127898.4 (MANE Select); coding-DNA position 862, G replaced by A.
Protein change: p.Ala288Thr; replaces alanine 288 with threonine.
Molecular consequence: missense variant.
Genome position (GRCh38, 1-based): chrX:50,081,776, G>A. VCF-style: chrX-50081776-G-A. GRCh37 (hg19) VCF-style: chrX-49846433-G-A.
Other names: c.652G>A, p.Ala218Thr (NM_000084.5); c.862G>A, p.Ala288Thr (NM_001127899.4); c.712G>A, p.Ala238Thr (NM_001282163.2); short protein forms A218T, A238T, A288T.
Identifiers: ClinVar variation 3606156 (VCV003606156.2).